The following is an entry in ClinVar:

NM_182931.3(KMT2E):c.776C>T (p.Ala259Val)

Gene: KMT2E (lysine methyltransferase 2E (inactive); plus strand). Cytogenetic location: 7q22.3.
Variant type: single nucleotide variant.
Coding change: c.776C>T on transcript NM_182931.3 (MANE Select); coding-DNA position 776, C replaced by T.
Protein change: p.Ala259Val; replaces alanine 259 with valine.
Molecular consequence: missense variant.
Genome position (GRCh38, 1-based): chr7:105,076,970, C>T. VCF-style: chr7-105076970-C-T. GRCh37 (hg19) VCF-style: chr7-104717417-C-T.
Other names: c.776C>T, p.Ala259Val (NM_001410908.1, NM_018682.4); short protein forms A259V.
Identifiers: ClinVar variation 3665789 (VCV003665789.3).

ClinVar aggregate classification (germline): Uncertain significance. Review status: criteria provided, multiple submitters, no conflicts (2 of 4 stars). 2 submissions from 2 submitters: Uncertain significance (2). Last evaluated 2025-01-23.

gnomAD v4.1: 1 of 1,609,604 alleles (0.000062%); highest among the groups gnomAD compares: Non-Finnish European, 0.000085%; no homozygotes.

Submissions (2):

Labcorp Genetics (formerly Invitae), Labcorp
Classification: Uncertain significance. Last evaluated: 2025-01-23. Review status: criteria provided, single submitter. Criteria: Invitae Variant Classification Sherloc (09022015). Collection method: clinical testing. Allele origin: germline.
Comment: This sequence change replaces alanine, which is neutral and non-polar, with valine, which is neutral and non-polar, at codon 259 of the KMT2E protein (p.Ala259Val). This variant is not present in population databases (gnomAD no frequency). This variant has not been reported in the literature in individuals affected with KMT2E-related conditions. Invitae Evidence Modeling of protein sequence and biophysical properties (such as structural, functional, and spatial information, amino acid conservation, physicochemical variation, residue mobility, and thermodynamic stability) indicates that this missense variant is not expected to disrupt KMT2E protein function with a negative predictive value of 80%. In summary, the available evidence is currently insufficient to determine the role of this variant in disease. Therefore, it has been classified as a Variant of Uncertain Significance.

Blueprint Genetics
Classification: Uncertain significance. Last evaluated: 2019-11-22. Review status: criteria provided, single submitter. Criteria: ACMG Guidelines, 2015. Collection method: clinical testing. Allele origin: germline.